The following is an entry in ClinVar:

NM_170754.4(TNS2):c.522+10G>A

Gene: TNS2 (tensin 2; plus strand). Cytogenetic location: 12q13.13.
Variant type: single nucleotide variant.
Coding change: c.522+10G>A on transcript NM_170754.4 (MANE Select); 10 bases into the intron after coding-DNA position 522, G replaced by A.
Molecular consequence: intron variant.
Genome position (GRCh38, 1-based): chr12:53,054,451, G>A. VCF-style: chr12-53054451-G-A. GRCh37 (hg19) VCF-style: chr12-53448235-G-A.
Other names: c.552+10G>A (NM_015319.2); c.150+10G>A (NM_198316.2); c.522+10G>A (NM_001416202.1, NM_001416204.1); c.453+10G>A (NM_001416203.1, NM_015319.3).
Identifiers: ClinVar variation 1577592 (VCV001577592.9), dbSNP rs201142870, ClinGen allele CA6591952.

ClinVar aggregate classification (germline): Benign. Review status: criteria provided, single submitter (1 of 4 stars). 2 submissions from 2 submitters: Benign (1). 1 of the submissions does not count toward it. Last evaluated 2025-12-29.

Conditions:
TNS2-related disorder. Also called: TNS2-related condition.

Allele frequency attached by ClinVar (database versions not stated): gnomAD exomes 0.00012 and 0.00028; ExAC 0.00046; gnomAD 0.00122 and 0.00124; ESP Exome Variant Server 0.00127; TOPMed 0.00138; 1000 Genomes Project 0.00140; 1000 Genomes Project 30x 0.00156.
gnomAD v4.1: 364 of 1,588,700 alleles (0.023%); highest among the groups gnomAD compares: African/African-American, 0.44%; 2 homozygotes.

Submissions (2):

Labcorp Genetics (formerly Invitae), Labcorp
Classification: Benign. Last evaluated: 2025-12-29. Review status: criteria provided, single submitter. Criteria: Invitae Variant Classification Sherloc (09022015). Collection method: clinical testing. Allele origin: germline.

PreventionGenetics, part of Exact Sciences
Classification: Likely benign for TNS2-related condition. Last evaluated: 2024-08-23. Review status: no assertion criteria provided. Collection method: clinical testing. Allele origin: germline. Not counted in ClinVar's aggregate classification.
Comment: This variant is classified as likely benign based on ACMG/AMP sequence variant interpretation guidelines (Richards et al. 2015 PMID: 25741868, with internal and published modifications).